The following is an entry in ClinVar:

NM_213599.3(ANO5):c.2741A>G (p.Ter914=)

Gene: ANO5 (anoctamin 5; plus strand). Cytogenetic location: 11p14.3.
Variant type: single nucleotide variant.
Coding change: c.2741A>G on transcript NM_213599.3 (MANE Select); coding-DNA position 2741, A replaced by G.
Protein change: p.Ter914=.
Molecular consequence: synonymous variant.
Genome position (GRCh38, 1-based): chr11:22,279,764, A>G. VCF-style: chr11-22279764-A-G. GRCh37 (hg19) VCF-style: chr11-22301310-A-G.
Other names: c.2738A>G, p.Ter913= (NM_001142649.2); c.2699A>G, p.Ter900= (NM_001410963.1); c.2696A>G, p.Ter899= (NM_001410964.1).
Identifiers: ClinVar variation 1980090 (VCV001980090.5), dbSNP rs187595147, ClinGen allele CA5923658.

ClinVar aggregate classification (germline): Conflicting classifications of pathogenicity. Review status: criteria provided, conflicting classifications (1 of 4 stars). 2 submissions from 2 submitters: Uncertain significance (1); Likely benign (1). Last evaluated 2026-01-05.

Conditions:
Gnathodiaphyseal dysplasia (GDD). Also called: GNATHODIAPHYSEAL SCLEROSIS; OSTEOGENESIS IMPERFECTA WITH UNUSUAL SKELETAL LESIONS. Identifiers: Orphanet 53697, MedGen C1833736, MONDO:0008151, OMIM 166260.
Autosomal recessive limb-girdle muscular dystrophy type 2L (LGMDR12). Also called: Limb-Girdle Muscular Dystrophy R12 Anoctamin-5-Related (LGMD-R12); MUSCULAR DYSTROPHY, LIMB-GIRDLE, AUTOSOMAL RECESSIVE 12; Limb-girdle muscular dystrophy, type 2L. Identifiers: Orphanet 206549, MedGen C1969785, MONDO:0012652, OMIM 611307.

Allele frequency attached by ClinVar (database versions not stated): ExAC 0.00001; gnomAD 0.00003; TOPMed 0.00007; 1000 Genomes Project 30x 0.00016; 1000 Genomes Project 0.00020.
gnomAD v4.1: 23 of 1,610,680 alleles (0.0014%); highest among the groups gnomAD compares: Admixed American, 0.015%; no homozygotes.

Submissions (2):

Labcorp Genetics (formerly Invitae), Labcorp
Classification: Likely benign for Autosomal recessive limb-girdle muscular dystrophy type 2L; Gnathodiaphyseal dysplasia. Last evaluated: 2026-01-05. Review status: criteria provided, single submitter. Criteria: Invitae Variant Classification Sherloc (09022015). Collection method: clinical testing. Allele origin: germline.

Athena Diagnostics
Classification: Uncertain significance. Last evaluated: 2022-04-15. Review status: criteria provided, single submitter. Criteria: Athena Diagnostics Criteria. Collection method: clinical testing. Allele origin: unknown.
Comment: Available data are insufficient to determine the clinical significance of the variant at this time. The frequency of this variant in the general population is uninformative in assessment of its pathogenicity. Computational tools yielded predictions that this variant is unlikely to have an effect on normal RNA splicing.